The following is an entry in ClinVar:

NM_001846.4(COL4A2):c.2954_2955delinsTT (p.Gly985Val)

Gene: COL4A2 (collagen type IV alpha 2 chain; plus strand). Cytogenetic location: 13q34.
Variant type: Indel.
Coding change: c.2954_2955delinsTT on transcript NM_001846.4 (MANE Select); coding-DNA positions 2954 to 2955, GA replaced by TT.
Protein change: p.Gly985Val; replaces glycine 985 with valine.
Molecular consequence: missense variant.
Genome position (GRCh38, 1-based): chr13:110,484,956-110,484,957, GA replaced by TT. VCF-style: chr13-110484956-GA-TT. GRCh37 (hg19) VCF-style: chr13-111137303-GA-TT.
Other names: short protein forms G985V.
Identifiers: ClinVar variation 1360109 (VCV001360109.6), dbSNP rs2139528190, ClinGen allele CA2573149455.
Genomic context (GRCh38, chr13:110,484,956, plus strand): 5'-CCCTTCCAGGCAGCCGAGGGGACCCTGGGCCCCCAGGACCACCTCCTGTCATCCTGCCAG[GA>TT]ATGAAAGACATTAAAGGAGAGAAAGGAGATGAAGGGCCTATGGGGCTGAAAGGATACCTG-3'
Protein context (NP_001837.2, residues 975-995): PPGPPPVILP[Gly985Val]MKDIKGEKGD

ClinVar aggregate classification (germline): Uncertain significance (1 of 4 stars; one submission).

Submission:

Labcorp Genetics (formerly Invitae), Labcorp
Classification: Uncertain significance. Last evaluated: 2022-03-17. Review status: criteria provided, single submitter. Criteria: Invitae Variant Classification Sherloc (09022015). Collection method: clinical testing. Allele origin: germline.
Comment: This variant has not been reported in the literature in individuals affected with COL4A2-related conditions. This variant is present in population databases (no rsID available, gnomAD 0.6%). This sequence change replaces glycine, which is neutral and non-polar, with valine, which is neutral and non-polar, at codon 985 of the COL4A2 protein (p.Gly985Val). Algorithms developed to predict the effect of missense changes on protein structure and function are either unavailable or do not agree on the potential impact of this missense change (SIFT: "Not Available"; PolyPhen-2: "Probably Damaging"; Align-GVGD: "Not Available"). In summary, the available evidence is currently insufficient to determine the role of this variant in disease. Therefore, it has been classified as a Variant of Uncertain Significance.